The following is an entry in ClinVar:

ClinVar aggregate classification (germline): Uncertain significance (1 of 4 stars; one submission).

Conditions:
Rhabdoid tumor predisposition syndrome 2 (RTPS2). Identifiers: Orphanet 231108, Orphanet 69077, MedGen C2750074, MONDO:0013224, OMIM 613325.

gnomAD v4.1: 3 of 1,613,532 alleles (0.00019%); highest among the groups gnomAD compares: African/African-American, 0.004%; no homozygotes.

Submission:

Labcorp Genetics (formerly Invitae), Labcorp
Classification: Uncertain significance for Rhabdoid tumor predisposition syndrome 2. Last evaluated: 2024-04-05. Review status: criteria provided, single submitter. Criteria: Invitae Variant Classification Sherloc (09022015). Collection method: clinical testing. Allele origin: germline.
Comment: This sequence change replaces glutamine, which is neutral and polar, with histidine, which is basic and polar, at codon 673 of the SMARCA4 protein (p.Gln673His). This variant is present in population databases (no rsID available, gnomAD 0.01%). This variant has not been reported in the literature in individuals affected with SMARCA4-related conditions. Advanced modeling of protein sequence and biophysical properties (such as structural, functional, and spatial information, amino acid conservation, physicochemical variation, residue mobility, and thermodynamic stability) performed at Invitae indicates that this missense variant is not expected to disrupt SMARCA4 protein function with a negative predictive value of 95%. In summary, the available evidence is currently insufficient to determine the role of this variant in disease. Therefore, it has been classified as a Variant of Uncertain Significance.

NM_003072.5(SMARCA4):c.2019G>T (p.Gln673His)

Gene: SMARCA4 (SWI/SNF related BAF chromatin remodeling complex subunit ATPase 4; plus strand). Cytogenetic location: 19p13.2.
Variant type: single nucleotide variant.
Coding change: c.2019G>T on transcript NM_003072.5 (MANE Select); coding-DNA position 2019, G replaced by T.
Protein change: p.Gln673His; replaces glutamine 673 with histidine.
Molecular consequence: missense variant. On other transcripts: non-coding transcript variant (1).
Genome position (GRCh38, 1-based): chr19:11,007,919, G>T. VCF-style: chr19-11007919-G-T. GRCh37 (hg19) VCF-style: chr19-11118595-G-T.
Other names: c.2019G>T, p.Gln673His (NM_001128844.3, NM_001128845.2, NM_001128846.2 and 6 more transcripts); short protein forms Q673H.
Identifiers: ClinVar variation 3675383 (VCV003675383.2).